The following is an entry in ClinVar:

ClinVar aggregate classification (germline): Uncertain significance. Review status: criteria provided, single submitter (1 of 4 stars). 2 submissions from 2 submitters: Uncertain significance (1). 1 of the submissions does not count toward it. Last evaluated 2024-01-05.

Conditions:
Polyglandular autoimmune syndrome, type 1 (APS1). Also called: APS I; HYPOADRENOCORTICISM WITH HYPOPARATHYROIDISM AND SUPERFICIAL MONILIASIS; Autoimmune polyendocrinopathy syndrome, type I; PGA I; Autoimmune polyendocrinopathy syndrome , type I, with or without reversible metaphyseal dysplasia; Autoimmune polyendocrine syndrome type 1. Identifiers: Orphanet 3453, MedGen C0085859, MONDO:0009411, OMIM 240300.
AIRE-related disorder. Also called: AIRE-related condition.

Submissions (2):

Labcorp Genetics (formerly Invitae), Labcorp
Classification: Uncertain significance for Polyglandular autoimmune syndrome, type 1. Last evaluated: 2024-01-05. Review status: criteria provided, single submitter. Criteria: Invitae Variant Classification Sherloc (09022015). Collection method: clinical testing. Allele origin: germline.
Comment: This sequence change replaces valine, which is neutral and non-polar, with methionine, which is neutral and non-polar, at codon 104 of the AIRE protein (p.Val104Met). This variant is not present in population databases (gnomAD no frequency). This variant has not been reported in the literature in individuals affected with AIRE-related conditions. An algorithm developed to predict the effect of missense changes on protein structure and function (PolyPhen-2) suggests that this variant is likely to be disruptive. In summary, the available evidence is currently insufficient to determine the role of this variant in disease. Therefore, it has been classified as a Variant of Uncertain Significance.

PreventionGenetics, part of Exact Sciences
Classification: Uncertain significance for AIRE-related condition. Last evaluated: 2024-09-18. Review status: no assertion criteria provided. Collection method: clinical testing. Allele origin: germline. Not counted in ClinVar's aggregate classification.
Comment: The AIRE c.310G>A variant is predicted to result in the amino acid substitution p.Val104Met. To our knowledge, this variant has not been reported in the literature or in a large population database, indicating this variant is rare. At this time, the clinical significance of this variant is uncertain due to the absence of conclusive functional and genetic evidence.

NM_000383.4(AIRE):c.310G>A (p.Val104Met)

Gene: AIRE (autoimmune regulator; plus strand). Cytogenetic location: 21q22.3.
Variant type: single nucleotide variant.
Coding change: c.310G>A on transcript NM_000383.4 (MANE Select); coding-DNA position 310, G replaced by A.
Protein change: p.Val104Met; replaces valine 104 with methionine.
Molecular consequence: missense variant.
Genome position (GRCh38, 1-based): chr21:44,286,980, G>A. VCF-style: chr21-44286980-G-A. GRCh37 (hg19) VCF-style: chr21-45706863-G-A.
Other names: c.310G>A (NM_000383.3); short protein forms V104M.
Identifiers: ClinVar variation 2986765 (VCV002986765.2), dbSNP rs2517876841, ClinGen allele CA410423578.